The following is an entry in ClinVar:

NM_001376.5(DYNC1H1):c.8658A>G (p.Gln2886=)

Gene: DYNC1H1 (dynein cytoplasmic 1 heavy chain 1; plus strand). Cytogenetic location: 14q32.31.
Variant type: single nucleotide variant.
Coding change: c.8658A>G on transcript NM_001376.5 (MANE Select); coding-DNA position 8658, A replaced by G.
Protein change: p.Gln2886=; no amino-acid change (glutamine 2886 retained).
Molecular consequence: synonymous variant.
Genome position (GRCh38, 1-based): chr14:102,026,594, A>G. VCF-style: chr14-102026594-A-G. GRCh37 (hg19) VCF-style: chr14-102492931-A-G.
Identifiers: ClinVar variation 384413 (VCV000384413.9), dbSNP rs766611207, ClinGen allele CA7353098.

ClinVar aggregate classification (germline): Likely benign. Review status: criteria provided, multiple submitters, no conflicts (2 of 4 stars). 3 submissions from 3 submitters: Likely benign (2). 1 of the submissions does not count toward it. Last evaluated 2025-07-27.

Conditions:
DYNC1H1-related disorder. Also called: DYNC1H1-related condition; DYNC1H1-related disorders. Identifiers: MedGen CN381529.
Charcot-Marie-Tooth disease axonal type 2O. Also called: CHARCOT-MARIE-TOOTH NEUROPATHY, AXONAL, TYPE 2O; CHARCOT-MARIE-TOOTH DISEASE, AXONAL, AUTOSOMAL DOMINANT, TYPE 2O; Charcot-Marie-Tooth Neuropathy Type 2O; Charcot-Marie-Tooth disease, axonal, type 20. Identifiers: Orphanet 284232, MedGen C3280220, MONDO:0013644, OMIM 614228.

Allele frequency attached by ClinVar (database versions not stated): gnomAD 0.00001; TOPMed 0.00001; ExAC 0.00002; gnomAD exomes 0.00002 and 0.00005.
gnomAD v4.1: 75 of 1,614,060 alleles (0.0046%); highest among the groups gnomAD compares: Non-Finnish European, 0.0058%; no homozygotes.

Submissions (3):

Labcorp Genetics (formerly Invitae), Labcorp
Classification: Likely benign for Charcot-Marie-Tooth disease axonal type 2O. Last evaluated: 2025-07-27. Review status: criteria provided, single submitter. Criteria: Invitae Variant Classification Sherloc (09022015). Collection method: clinical testing. Allele origin: germline.

GeneDx
Classification: Likely benign. Last evaluated: 2016-03-21. Review status: criteria provided, single submitter. Criteria: GeneDx Variant Classification (06012015). Collection method: clinical testing. Allele origin: germline. Affected: yes.
Comment: This variant is considered likely benign or benign based on one or more of the following criteria: it is a conservative change, it occurs at a poorly conserved position in the protein, it is predicted to be benign by multiple in silico algorithms, and/or has population frequency not consistent with disease.

PreventionGenetics, part of Exact Sciences
Classification: Likely benign for DYNC1H1-related condition. Last evaluated: 2024-03-29. Review status: no assertion criteria provided. Collection method: clinical testing. Allele origin: germline. Not counted in ClinVar's aggregate classification.
Comment: This variant is classified as likely benign based on ACMG/AMP sequence variant interpretation guidelines (Richards et al. 2015 PMID: 25741868, with internal and published modifications).